The following is an entry in ClinVar:

NM_001127208.3(TET2):c.3202C>T (p.Gln1068Ter)

Genes: TET2 (tet methylcytosine dioxygenase 2; plus strand), TET2-AS1 (TET2 antisense RNA 1; minus strand). Cytogenetic location: 4q24.
Variant type: single nucleotide variant.
Coding change: c.3202C>T on transcript NM_001127208.3 (MANE Select); coding-DNA position 3202, C replaced by T.
Protein change: p.Gln1068Ter; replaces glutamine 1068 with a stop codon.
Molecular consequence: nonsense.
Genome position (GRCh38, 1-based): chr4:105,237,144, C>T. VCF-style: chr4-105237144-C-T. GRCh37 (hg19) VCF-style: chr4-106158301-C-T.
Other names: c.3202C>T, p.Gln1068Ter (NM_017628.4); short protein forms Q1068*.
Identifiers: ClinVar variation 2702318 (VCV002702318.3), dbSNP rs1728991935, ClinGen allele CA357802496.

ClinVar aggregate classification (germline): Pathogenic (1 of 4 stars; one submission).

Allele frequency attached by ClinVar (database versions not stated): gnomAD exomes below 0.00001.

Submission:

Labcorp Genetics (formerly Invitae), Labcorp
Classification: Pathogenic. Last evaluated: 2024-09-11. Review status: criteria provided, single submitter. Criteria: Invitae Variant Classification Sherloc (09022015). Collection method: clinical testing. Allele origin: germline.
Comment: This sequence change creates a premature translational stop signal (p.Gln1068*) in the TET2 gene. It is expected to result in an absent or disrupted protein product. Loss-of-function variants in TET2 are known to be pathogenic (PMID: 36066697). This variant is not present in population databases (gnomAD no frequency). This variant has not been reported in the literature in individuals affected with TET2-related conditions. For these reasons, this variant has been classified as Pathogenic.

Literature cited by the submitters: PubMed 36066697.